The following is an entry in ClinVar:

ClinVar aggregate classification (germline): Benign (1 of 4 stars; one submission).

Allele frequency attached by ClinVar (database versions not stated): gnomAD exomes 0.00139 and 0.00380; ExAC 0.00505; gnomAD 0.01507 and 0.01612; TOPMed 0.01670; ESP Exome Variant Server 0.01732; 1000 Genomes Project 30x 0.01765; 1000 Genomes Project 0.01777.
gnomAD v4.1: 4,330 of 1,553,888 alleles (0.28%); highest among the groups gnomAD compares: African/African-American, 5.3%; 115 homozygotes.

Submission:

GeneDx
Classification: Benign. Last evaluated: 2018-06-16. Review status: criteria provided, single submitter. Criteria: GeneDx Variant Classification (06012015). Collection method: clinical testing. Allele origin: germline. Affected: yes.
Comment: This variant is considered likely benign or benign based on one or more of the following criteria: it is a conservative change, it occurs at a poorly conserved position in the protein, it is predicted to be benign by multiple in silico algorithms, and/or has population frequency not consistent with disease.

NM_002474.3(MYH11):c.1034-34T>C

Gene: MYH11 (myosin heavy chain 11; minus strand). Cytogenetic location: 16p13.11.
Variant type: single nucleotide variant.
Coding change: c.1034-34T>C on transcript NM_002474.3 (MANE Select); 34 bases into the intron before coding-DNA position 1034, T replaced by C.
Molecular consequence: intron variant.
Genome position (GRCh38, 1-based): chr16:15,763,925, A>G on the plus strand (T>C on the coding strand, the complement: MYH11 is on the minus strand). VCF-style: chr16-15763925-A-G. GRCh37 (hg19) VCF-style: chr16-15857782-A-G.
Other names: c.1034-34T>C (NM_022844.3); c.1055-34T>C (NM_001040114.2, NM_001040113.2).
Identifiers: ClinVar variation 674416 (VCV000674416.1), dbSNP rs79343486, ClinGen allele CA7922747.
Genomic context (GRCh38, chr16:15,763,925, plus strand): 5'-GGACCGATGATACCACCTTCAATATGGCTGAGGTGGGGAGAGAAGGGCAGAGCAGACACA[A>G]AGGTCAATGCCAAGGTACCCTGGAGTTTTGGAGCCTAAAGCCACTGGGGACCCAGAGCCA-3'